The following is an entry in ClinVar:

ClinVar aggregate classification (germline): Uncertain significance. Review status: criteria provided, multiple submitters, no conflicts (2 of 4 stars). 2 submissions from 2 submitters: Uncertain significance (2). Last evaluated 2024-11-29.

Conditions:
Catecholaminergic polymorphic ventricular tachycardia 1. Also called: RYR2-Related Catecholaminergic Polymorphic Ventricular Tachycardia; VENTRICULAR TACHYCARDIA, STRESS-INDUCED POLYMORPHIC 1; VENTRICULAR TACHYCARDIA, CATECHOLAMINERGIC POLYMORPHIC, 1, WITH OR WITHOUT ATRIAL DYSFUNCTION AND/OR DILATED CARDIOMYOPATHY. Identifiers: Orphanet 3286, MedGen C1631597, MONDO:0011484, OMIM 604772.

Allele frequency attached by ClinVar (database versions not stated): TOPMed below 0.00001.

Submissions (2):

Labcorp Genetics (formerly Invitae), Labcorp
Classification: Uncertain significance for Catecholaminergic polymorphic ventricular tachycardia 1. Last evaluated: 2024-11-29. Review status: criteria provided, single submitter. Criteria: Invitae Variant Classification Sherloc (09022015). Collection method: clinical testing. Allele origin: germline.
Comment: This sequence change replaces proline, which is neutral and non-polar, with serine, which is neutral and polar, at codon 1330 of the RYR2 protein (p.Pro1330Ser). This variant is not present in population databases (gnomAD no frequency). This variant has not been reported in the literature in individuals affected with RYR2-related conditions. ClinVar contains an entry for this variant (Variation ID: 1513420). Invitae Evidence Modeling of protein sequence and biophysical properties (such as structural, functional, and spatial information, amino acid conservation, physicochemical variation, residue mobility, and thermodynamic stability) indicates that this missense variant is not expected to disrupt RYR2 protein function with a negative predictive value of 95%. In summary, the available evidence is currently insufficient to determine the role of this variant in disease. Therefore, it has been classified as a Variant of Uncertain Significance.

GeneDx
Classification: Uncertain significance. Last evaluated: 2022-11-11. Review status: criteria provided, single submitter. Criteria: GeneDx Variant Classification Process June 2021. Collection method: clinical testing. Allele origin: germline. Affected: yes.
Comment: Not observed at significant frequency in large population cohorts (gnomAD); In silico analysis supports that this missense variant has a deleterious effect on protein structure/function; Has not been previously published as pathogenic or benign to our knowledge

NM_001035.3(RYR2):c.3988C>T (p.Pro1330Ser)

Genes: RYR2 (ryanodine receptor 2; plus strand), LOC126806067 (BRD4-independent group 4 enhancer GRCh37_chr1:237753258-237754457; plus strand). Cytogenetic location: 1q43.
Variant type: single nucleotide variant.
Coding change: c.3988C>T on transcript NM_001035.3 (MANE Select); coding-DNA position 3988, C replaced by T.
Protein change: p.Pro1330Ser; replaces proline 1330 with serine.
Molecular consequence: missense variant.
Genome position (GRCh38, 1-based): chr1:237,590,820, C>T. VCF-style: chr1-237590820-C-T. GRCh37 (hg19) VCF-style: chr1-237754120-C-T.
Other names: c.3988C>T (NM_001035.2); short protein forms P1330S.
Identifiers: ClinVar variation 1513420 (VCV001513420.8), dbSNP rs1675074576, ClinGen allele CA345397495.